The following is an entry in ClinVar:

ClinVar aggregate classification (germline): Pathogenic. Review status: criteria provided, multiple submitters, no conflicts (2 of 4 stars). 2 submissions from 2 submitters: Pathogenic (2). Last evaluated 2022-08-01.

Submissions (2):

Labcorp Genetics (formerly Invitae), Labcorp
Classification: Pathogenic. Last evaluated: 2022-08-01. Review status: criteria provided, single submitter. Criteria: Invitae Variant Classification Sherloc (09022015). Collection method: clinical testing. Allele origin: germline.
Comment: This sequence change creates a premature translational stop signal (p.Gly507Glufs*122) in the COL2A1 gene. It is expected to result in an absent or disrupted protein product. Loss-of-function variants in COL2A1 are known to be pathogenic (PMID: 20179744). This variant is not present in population databases (gnomAD no frequency). This variant has not been reported in the literature in individuals affected with COL2A1-related conditions. ClinVar contains an entry for this variant (Variation ID: 1211840). For these reasons, this variant has been classified as Pathogenic.

GeneDx
Classification: Pathogenic. Last evaluated: 2020-08-06. Review status: criteria provided, single submitter. Criteria: GeneDx Variant Classification Process June 2021. Collection method: clinical testing. Allele origin: germline. Affected: yes.
Comment: Has not been previously published as pathogenic or benign to our knowledge; Not observed in large population cohorts (Lek et al., 2016); Frameshift variant predicted to result in protein truncation or nonsense mediated decay in a gene for which loss-of-function is a known mechanism of disease

Literature cited by the submitters: PubMed 20179744 (cited by Labcorp Genetics (formerly Invitae), Labcorp).

NM_001844.5(COL2A1):c.1518del (p.Gly507fs)

Gene: COL2A1 (collagen type II alpha 1 chain; minus strand). Cytogenetic location: 12q13.11.
Variant type: Deletion.
Coding change: c.1518del on transcript NM_001844.5 (MANE Select); coding-DNA position 1518, one base deleted (T; older notation c.1518delT).
Protein change: p.Gly507fs; shifts the reading frame from glycine 507.
Molecular consequence: frameshift variant.
Genome position (GRCh38, 1-based): chr12:47,986,345, A deleted on the plus strand (T on the coding strand, the reverse complement: COL2A1 is on the minus strand). VCF-style (leftmost placement, unchanged base first): chr12-47986344-CA-C. GRCh37 (hg19) VCF-style: chr12-48380127-CA-C.
Other names: c.1311del, p.Gly438fs (NM_033150.3); short protein forms G438fs, G507fs.
Identifiers: ClinVar variation 1211840 (VCV001211840.8), dbSNP rs2136570799, ClinGen allele CA2499221673.